The following is an entry in ClinVar:

ClinVar aggregate classification (germline): Benign/Likely benign. Review status: criteria provided, multiple submitters, no conflicts (2 of 4 stars). 8 submissions from 8 submitters: Benign (2); Likely benign (4). 2 of the submissions do not count toward it. Last evaluated 2026-04-10.

Conditions:
Cardiovascular phenotype. Identifiers: MedGen CN230736.
Dilated cardiomyopathy 1JJ (CMD1JJ). Identifiers: Orphanet 154, MedGen C3808935, MONDO:0014095, OMIM 615235.
Cardiomyopathy (CMYO). Also called: Cardiomyopathies. Identifiers: Orphanet 167848, MedGen C0878544, MONDO:0004994, HP:0001638. Inheritance: Various modes of inheritance.

Allele frequency attached by ClinVar (database versions not stated): gnomAD 0.00008 and 0.00010; ESP Exome Variant Server 0.00008; TOPMed 0.00010; gnomAD exomes 0.00013 and 0.00020; ExAC 0.00016.
gnomAD v4.1: 314 of 1,613,914 alleles (0.019%); highest among the groups gnomAD compares: Non-Finnish European, 0.024%; no homozygotes.

Submissions (8):

Women's Health and Genetics/Laboratory Corporation of America, LabCorp
Classification: Benign. Last evaluated: 2026-04-10. Review status: criteria provided, single submitter. Criteria: LabCorp Variant Classification Summary - May 2015. Collection method: clinical testing. Allele origin: germline.

Labcorp Genetics (formerly Invitae), Labcorp
Classification: Likely benign for Dilated cardiomyopathy 1JJ. Last evaluated: 2025-11-09. Review status: criteria provided, single submitter. Criteria: Invitae Variant Classification Sherloc (09022015). Collection method: clinical testing. Allele origin: germline.

ARUP Laboratories, Molecular Genetics and Genomics, ARUP Laboratories
Classification: Likely benign for Dilated cardiomyopathy 1JJ. Last evaluated: 2019-05-23. Review status: criteria provided, single submitter. Criteria: ARUP Molecular Germline Variant Investigation Process. Collection method: clinical testing. Allele origin: germline.

Ambry Genetics
Classification: Likely benign for Cardiovascular phenotype. Last evaluated: 2018-08-02. Review status: criteria provided, single submitter. Criteria: Ambry Variant Classification Scheme 2023. Collection method: clinical testing. Allele origin: germline.

CHEO Genetics Diagnostic Laboratory, Children's Hospital of Eastern Ontario
Classification: Likely benign for Cardiomyopathy. Last evaluated: 2016-11-14. Review status: criteria provided, single submitter. Criteria: ACMG Guidelines, 2015. Collection method: clinical testing. Allele origin: germline. Study: Canadian Open Genetics Repository.

GeneDx
Classification: Benign. Last evaluated: 2015-05-11. Review status: criteria provided, single submitter. Criteria: GeneDx Variant Classification (06012015). Collection method: clinical testing. Allele origin: germline. Affected: yes.
Comment: This variant is considered likely benign or benign based on one or more of the following criteria: it is a conservative change, it occurs at a poorly conserved position in the protein, it is predicted to be benign by multiple in silico algorithms, and/or has population frequency not consistent with disease.

Genome Diagnostics Laboratory, University Medical Center Utrecht
Classification: Likely benign. Review status: no assertion criteria provided. Collection method: clinical testing. Allele origin: germline. Affected: yes. Study: VKGL Data-share Consensus. Not counted in ClinVar's aggregate classification.

Joint Genome Diagnostic Labs from Nijmegen and Maastricht, Radboudumc and MUMC+
Classification: Likely benign. Review status: no assertion criteria provided. Collection method: clinical testing. Allele origin: germline. Affected: yes. Study: VKGL Data-share Consensus. Not counted in ClinVar's aggregate classification.

NM_001105206.3(LAMA4):c.1821G>A (p.Lys607=)

Gene: LAMA4 (laminin subunit alpha 4; minus strand). Cytogenetic location: 6q21.
Variant type: single nucleotide variant.
Coding change: c.1821G>A on transcript NM_001105206.3 (MANE Select); coding-DNA position 1821, G replaced by A.
Protein change: p.Lys607=; no amino-acid change (lysine 607 retained).
Molecular consequence: synonymous variant.
Genome position (GRCh38, 1-based): chr6:112,155,703, C>T on the plus strand (G>A on the coding strand, the complement: LAMA4 is on the minus strand). VCF-style: chr6-112155703-C-T. GRCh37 (hg19) VCF-style: chr6-112476905-C-T.
Other names: p.K600K:AAG>AAA; c.1800G>A, p.Lys600= (NM_001105207.3, NM_002290.5).
Identifiers: ClinVar variation 213585 (VCV000213585.26), dbSNP rs374481199, ClinGen allele CA325298.
Genomic context (GRCh38, chr6:112,155,703, plus strand): 5'-ATAGACATTTGATGCATCCAAAGCCTTCTGTACCAGCCCGTTCATATCTGAACTGTGCAA[C>T]TTCCTGTTAATAAACAAACATTGTTATTTCTCCTTCTTACCTTCTTGGGGAATGGGGCCA-3'
Protein context (NP_001098676.2, residues 597-617): LQQEANELSR[Lys607=]LHSSDMNGLV